The following is an entry in ClinVar:

ClinVar aggregate classification (germline): Likely benign (1 of 4 stars; one submission).

Allele frequency attached by ClinVar (database versions not stated): TOPMed 0.01595; 1000 Genomes Project 30x 0.01748.

Submission:

GeneDx
Classification: Likely benign. Last evaluated: 2018-06-16. Review status: criteria provided, single submitter. Criteria: GeneDx Variant Classification (06012015). Collection method: clinical testing. Allele origin: germline. Affected: yes.
Comment: This variant is considered likely benign or benign based on one or more of the following criteria: it is a conservative change, it occurs at a poorly conserved position in the protein, it is predicted to be benign by multiple in silico algorithms, and/or has population frequency not consistent with disease.

NM_000252.3(MTM1):c.136+172=

Gene: MTM1 (myotubularin 1; plus strand). Cytogenetic location: Xq28.
Variant type: single nucleotide variant.
Coding change: c.136+172= on transcript NM_000252.3 (MANE Select); 172 bases into the intron after coding-DNA position 136, no change from the reference sequence.
Molecular consequence: intron variant.
Genome position: GRCh38 VCF-style: chrX-150596742-T-T. GRCh37 (hg19) VCF-style: chrX-149765206-C-T.
Other names: c.136+172= (NM_001376908.1, NM_001376906.1, NM_001376907.1).
Identifiers: ClinVar variation 681894 (VCV000681894.1), dbSNP rs222380.
Genomic context (GRCh38, chrX:150,596,742, plus strand): 5'-TTTGTTTAGAAGCGTTAACACAGAACTCTCTGCATCCCTTTCTTGATTAAAGAGTTCTTT[T=]GAGAGCTTCATGCTCACAAGGGTAGTGATATTCTTGTGTCTGTACCAAAGACTGAGAATG-3'